The following is an entry in ClinVar:

ClinVar aggregate classification (germline): Likely benign. Review status: criteria provided, multiple submitters, no conflicts (2 of 4 stars). 2 submissions from 2 submitters: Likely benign (2). Last evaluated 2024-01-25.

Conditions:
Arginine:glycine amidinotransferase deficiency (CCDS3). Also called: AGAT deficiency; Creatine deficiency syndrome due to AGAT deficiency; GATM deficiency; Cerebral creatine deficiency syndrome 3; L-Arginine:Glycine Amidinotransferase Deficiency; L-Arginine:Glycine Amidinotransferase (AGAT) Deficiency. Identifiers: Orphanet 35704, MedGen C2675179, MONDO:0012996, OMIM 612718.

Allele frequency attached by ClinVar (database versions not stated): gnomAD 0.00001; TOPMed 0.00001.
gnomAD v4.1: 9 of 1,614,066 alleles (0.00056%); highest among the groups gnomAD compares: East Asian, 0.0022%; no homozygotes.

Submissions (2):

Labcorp Genetics (formerly Invitae), Labcorp
Classification: Likely benign for Arginine:glycine amidinotransferase deficiency. Last evaluated: 2024-01-25. Review status: criteria provided, single submitter. Criteria: Invitae Variant Classification Sherloc (09022015). Collection method: clinical testing. Allele origin: germline.

GeneDx
Classification: Likely benign. Last evaluated: 2016-06-23. Review status: criteria provided, single submitter. Criteria: GeneDx Variant Classification (06012015). Collection method: clinical testing. Allele origin: germline. Affected: yes.
Comment: This variant is considered likely benign or benign based on one or more of the following criteria: it is a conservative change, it occurs at a poorly conserved position in the protein, it is predicted to be benign by multiple in silico algorithms, and/or has population frequency not consistent with disease.

NM_001482.3(GATM):c.255C>T (p.Asn85=)

Gene: GATM (glycine amidinotransferase; minus strand). Cytogenetic location: 15q21.1.
Variant type: single nucleotide variant.
Coding change: c.255C>T on transcript NM_001482.3 (MANE Select); coding-DNA position 255, C replaced by T.
Protein change: p.Asn85=; no amino-acid change (asparagine 85 retained).
Molecular consequence: synonymous variant. On other transcripts: 5 prime UTR variant (1).
Genome position (GRCh38, 1-based): chr15:45,376,634, G>A on the plus strand (C>T on the coding strand, the complement: GATM is on the minus strand). VCF-style: chr15-45376634-G-A. GRCh37 (hg19) VCF-style: chr15-45668832-G-A.
Other names: c.-133C>T (NM_001321015.2).
Identifiers: ClinVar variation 387021 (VCV000387021.5), dbSNP rs1057522666, ClinGen allele CA16606931.